The following is an entry in ClinVar:

ClinVar aggregate classification (germline): Uncertain significance (1 of 4 stars; one submission).

Conditions:
Hereditary cancer-predisposing syndrome. Also called: Tumor predisposition; Neoplastic Syndromes, Hereditary; Hereditary neoplastic syndrome; Hereditary Cancer Syndrome. Identifiers: Orphanet 140162, MedGen C0027672, MeSH D009386, MONDO:0015356.

gnomAD v4.1: 1 of 1,613,884 alleles (0.000062%); highest among the groups gnomAD compares: East Asian, 0.0022%; no homozygotes.

Submission:

Ambry Genetics
Classification: Uncertain significance for Hereditary cancer-predisposing syndrome. Last evaluated: 2024-09-11. Review status: criteria provided, single submitter. Criteria: Ambry Variant Classification Scheme 2023. Collection method: clinical testing. Allele origin: germline.
Comment: The p.C900S variant (also known as c.2698T>A), located in coding exon 23 of the TSC2 gene, results from a T to A substitution at nucleotide position 2698. The cysteine at codon 900 is replaced by serine, an amino acid with dissimilar properties. This amino acid position is highly conserved in available vertebrate species. In addition, this alteration is predicted to be deleterious by in silico analysis. Based on the available evidence, the clinical significance of this variant remains unclear.

NM_000548.5(TSC2):c.2698T>A (p.Cys900Ser)

Gene: TSC2 (TSC complex subunit 2; plus strand). Cytogenetic location: 16p13.3.
Variant type: single nucleotide variant.
Coding change: c.2698T>A on transcript NM_000548.5 (MANE Select); coding-DNA position 2698, T replaced by A.
Protein change: p.Cys900Ser; replaces cysteine 900 with serine.
Molecular consequence: missense variant. On other transcripts: non-coding transcript variant (5).
Genome position (GRCh38, 1-based): chr16:2,076,126, T>A. VCF-style: chr16-2076126-T-A. GRCh37 (hg19) VCF-style: chr16-2126127-T-A.
Other names: c.2698T>A, p.Cys900Ser (NM_001077183.3, NM_001114382.3, NM_001363528.2 and 6 more transcripts); c.2587T>A, p.Cys863Ser (NM_001318827.2, NM_001406670.1, NM_001406678.1); c.2551T>A, p.Cys851Ser (NM_001318829.2, NM_001406675.1, NM_001406676.1 and 1 more transcripts); c.2098T>A, p.Cys700Ser (NM_001318831.2, NM_001406680.1, NM_001406682.1 and 6 more transcripts); c.2731T>A, p.Cys911Ser (NM_001318832.2); c.2788T>A, p.Cys930Ser (NM_001406667.1, NM_001406668.1); c.2686T>A, p.Cys896Ser (NM_001406671.1, NM_001406673.1); c.2641T>A, p.Cys881Ser (NM_001406677.1); and 3 more; short protein forms C851S, C863S, C900S, C452S, C700S, C746S, C881S, C896S.
Identifiers: ClinVar variation 3462611 (VCV003462611.1).
Genomic context (GRCh38, chr16:2,076,126, plus strand): 5'-AGGTTTAATCAGTACATCGTGTGTCTGGCCCATCACGTCATAGCCATGTGGTTCATCAGG[T>A]GCCGCCTGCCCTTCCGGAAGGATTTTGTCCCTTTCATCACTAAGGTGGGCTCAGGGCCGG-3'
Protein context (NP_000539.2, residues 890-910): HHVIAMWFIR[Cys900Ser]RLPFRKDFVP